The following is an entry in ClinVar:

NM_031935.3(HMCN1):c.502G>A (p.Val168Ile)

Gene: HMCN1 (hemicentin 1; plus strand). Cytogenetic location: 1q31.1.
Variant type: single nucleotide variant.
Coding change: c.502G>A on transcript NM_031935.3 (MANE Select); coding-DNA position 502, G replaced by A.
Protein change: p.Val168Ile; replaces valine 168 with isoleucine.
Molecular consequence: missense variant.
Genome position (GRCh38, 1-based): chr1:185,865,744, G>A. VCF-style: chr1-185865744-G-A. GRCh37 (hg19) VCF-style: chr1-185834876-G-A.
Other names: short protein forms V168I.
Identifiers: ClinVar variation 2418351 (VCV002418351.6), dbSNP rs764567562, ClinGen allele CA1290872.

ClinVar aggregate classification (germline): Uncertain significance (1 of 4 stars; one submission).

Allele frequency attached by ClinVar (database versions not stated): ExAC 0.00003; gnomAD 0.00004.
gnomAD v4.1: 20 of 1,595,176 alleles (0.0013%); highest among the groups gnomAD compares: Middle Eastern, 0.033%; no homozygotes.

Submission:

Labcorp Genetics (formerly Invitae), Labcorp
Classification: Uncertain significance. Last evaluated: 2023-04-07. Review status: criteria provided, single submitter. Criteria: Invitae Variant Classification Sherloc (09022015). Collection method: clinical testing. Allele origin: germline.
Comment: This sequence change replaces valine, which is neutral and non-polar, with isoleucine, which is neutral and non-polar, at codon 168 of the HMCN1 protein (p.Val168Ile). In summary, the available evidence is currently insufficient to determine the role of this variant in disease. Therefore, it has been classified as a Variant of Uncertain Significance. An algorithm developed to predict the effect of missense changes on protein structure and function (PolyPhen-2) suggests that this variant is likely to be disruptive. ClinVar contains an entry for this variant (Variation ID: 2418351). This variant has not been reported in the literature in individuals affected with HMCN1-related conditions. The frequency data for this variant in the population databases is considered unreliable, as metrics indicate poor data quality at this position in the gnomAD database.